The following is an entry in ClinVar:

ClinVar aggregate classification (germline): Uncertain significance. Review status: criteria provided, multiple submitters, no conflicts (2 of 4 stars). 2 submissions from 2 submitters: Uncertain significance (2). Last evaluated 2025-06-30.

Conditions:
ITGA3-related disorder. Also called: ITGA3-related condition.
Inborn genetic diseases. Identifiers: MedGen C0950123, MeSH D030342.

Submissions (2):

PreventionGenetics, part of Exact Sciences
Classification: Uncertain significance for ITGA3-related condition. Last evaluated: 2025-06-30. Review status: criteria provided, single submitter. Criteria: ACMG Guidelines, 2015. Collection method: clinical testing. Allele origin: germline.
Comment: The ITGA3 c.2362G>A variant is predicted to result in the amino acid substitution p.Val788Met. To our knowledge, this variant has not been reported in the literature or in a large population database (gnomAD), indicating this variant is rare. At this time, the clinical significance of this variant is uncertain due to the absence of conclusive functional and genetic evidence.

Ambry Genetics
Classification: Uncertain significance for Inborn genetic diseases. Last evaluated: 2025-04-30. Review status: criteria provided, single submitter. Criteria: Ambry Variant Classification Scheme 2023. Collection method: clinical testing. Allele origin: germline.

NM_002204.4(ITGA3):c.2362G>A (p.Val788Met)

Gene: ITGA3 (integrin subunit alpha 3; plus strand). Cytogenetic location: 17q21.33.
Variant type: single nucleotide variant.
Coding change: c.2362G>A on transcript NM_002204.4 (MANE Select); coding-DNA position 2362, G replaced by A.
Protein change: p.Val788Met; replaces valine 788 with methionine.
Molecular consequence: missense variant.
Genome position (GRCh38, 1-based): chr17:50,078,888, G>A. VCF-style: chr17-50078888-G-A. GRCh37 (hg19) VCF-style: chr17-48156252-G-A.
Other names: NM_005501.2:c.2362G>A; c.2362G>A (NM_002204.3); short protein forms V788M.
Identifiers: ClinVar variation 4039916 (VCV004039916.2).